The following is an entry in ClinVar:

ClinVar aggregate classification (germline): Uncertain significance (1 of 4 stars; one submission).

Conditions:
Familial thoracic aortic aneurysm and aortic dissection (TAAD). Also called: Thoracic aortic aneurysms and dissections. Identifiers: Orphanet 91387, MedGen C4707243, MONDO:0019625.

Submission:

Color Diagnostics, LLC DBA Color Health
Classification: Uncertain significance for Familial thoracic aortic aneurysm and aortic dissection. Last evaluated: 2025-06-18. Review status: criteria provided, single submitter. Criteria: ACMG Guidelines, 2015. Collection method: clinical testing. Allele origin: germline.
Comment: This missense variant replaces glutamic acid with lysine at codon 1641 of the FBN1 protein. Computational prediction tool is inconclusive regarding the impact of this variant on protein structure and function. To our knowledge, functional studies have not been reported for this variant. This variant has not been reported in individuals affected with FBN1-related disorders in the literature. This variant has not been identified in the general population by the Genome Aggregation Database (gnomAD). The available evidence is insufficient to determine the role of this variant in disease conclusively. Therefore, this variant is classified as a Variant of Uncertain Significance.

NM_000138.5(FBN1):c.4921G>A (p.Glu1641Lys)

Gene: FBN1 (fibrillin 1; minus strand). Cytogenetic location: 15q21.1.
Variant type: single nucleotide variant.
Coding change: c.4921G>A on transcript NM_000138.5 (MANE Select); coding-DNA position 4921, G replaced by A.
Protein change: p.Glu1641Lys; replaces glutamic acid 1641 with lysine.
Molecular consequence: missense variant.
Genome position (GRCh38, 1-based): chr15:48,465,589, C>T on the plus strand (G>A on the coding strand, the complement: FBN1 is on the minus strand). VCF-style: chr15-48465589-C-T. GRCh37 (hg19) VCF-style: chr15-48757786-C-T.
Other names: c.4921G>A, p.Glu1641Lys (NM_001406716.1); short protein forms E1641K.
Identifiers: ClinVar variation 4756905 (VCV004756905.1).